The following is an entry in ClinVar:

ClinVar aggregate classification (germline): Likely benign (1 of 4 stars; one submission).

Allele frequency attached by ClinVar (database versions not stated): gnomAD 0.00001; ExAC 0.00004.

Submission:

CeGaT Center for Human Genetics Tuebingen
Classification: Likely benign. Last evaluated: 2022-07-01. Review status: criteria provided, single submitter. Criteria: CeGaT Center For Human Genetics Tuebingen Variant Classification Criteria Version 2. Collection method: clinical testing. Allele origin: germline. Affected: yes. Observed: 1 variant allele.
Comment: TNFRSF10A: BP4, BP7

NM_003844.4(TNFRSF10A):c.456G>A (p.Val152=)

Gene: TNFRSF10A (TNF receptor superfamily member 10a; minus strand). Cytogenetic location: 8p21.3.
Variant type: single nucleotide variant.
Coding change: c.456G>A on transcript NM_003844.4 (MANE Select); coding-DNA position 456, G replaced by A.
Protein change: p.Val152=; no amino-acid change (valine 152 retained).
Molecular consequence: synonymous variant.
Genome position (GRCh38, 1-based): chr8:23,202,709, C>T on the plus strand (G>A on the coding strand, the complement: TNFRSF10A is on the minus strand). VCF-style: chr8-23202709-C-T. GRCh37 (hg19) VCF-style: chr8-23060222-C-T.
Identifiers: ClinVar variation 2658480 (VCV002658480.24), dbSNP rs755780790, ClinGen allele CA4674906.